The following is an entry in ClinVar:

NM_001174147.2(LMX1B):c.193G>T (p.Asp65Tyr)

Gene: LMX1B (LIM homeobox transcription factor 1 beta; plus strand). Cytogenetic location: 9q33.3.
Variant type: single nucleotide variant.
Coding change: c.193G>T on transcript NM_001174147.2 (MANE Select); coding-DNA position 193, G replaced by T.
Protein change: p.Asp65Tyr; replaces aspartic acid 65 with tyrosine.
Molecular consequence: missense variant.
Genome position (GRCh38, 1-based): chr9:126,615,436, G>T. VCF-style: chr9-126615436-G-T. GRCh37 (hg19) VCF-style: chr9-129377715-G-T.
Other names: c.193G>T, p.Asp65Tyr (NM_001174146.2, NM_002316.4); short protein forms D65Y.
Identifiers: ClinVar variation 2815294 (VCV002815294.5), dbSNP rs1377719545, ClinGen allele CA374909954.
Genomic context (GRCh38, chr9:126,615,436, plus strand): 5'-GCTACAGGCTCCGACTGCCCGCATCCCGCCGTCTGCGAGGGCTGCCAGCGGCCCATCTCC[G>T]ACCGCTTCCTGATGCGAGTCAACGAGTCGTCCTGGCACGAGGAGTGTTTGCAGTGCGCGG-3'
Protein context (NP_001167618.1, residues 55-75): VCEGCQRPIS[Asp65Tyr]RFLMRVNESS

ClinVar aggregate classification (germline): Uncertain significance. Review status: criteria provided, multiple submitters, no conflicts (2 of 4 stars). 2 submissions from 2 submitters: Uncertain significance (2). Last evaluated 2025-09-11.

Conditions:
Nail-patella-like renal disease. Also called: GLOMERULAR BASEMENT MEMBRANE DISEASE, NAIL-PATELLA SYNDROME TYPE; Focal Segmental Glomerulosclerosis 10. Identifiers: Orphanet 2613, MedGen C0403548, MONDO:0009724, OMIM 256020.

Submissions (2):

Victorian Clinical Genetics Services, Murdoch Childrens Research Institute
Classification: Uncertain significance for Nail-patella-like renal disease. Last evaluated: 2025-09-11. Review status: criteria provided, single submitter. Criteria: ACMG Guidelines, 2015. Collection method: clinical testing. Allele origin: germline. Affected: yes.
Comment: This variant is classified as VUS-3A. Evidence in support of pathogenic classification: Variant is absent from gnomAD (v2, v3 and v4); Missense variant predicted to be damaging by in silico tool(s) or highly conserved with a major amino acid change. Additional information: Variant is predicted to result in a missense amino acid change from Asp to Tyr; This variant is heterozygous; This gene is associated with autosomal dominant disease; Alternative amino acid change(s) at the same position are present in gnomAD (Highest allele count: v4: 1 heterozygote(s), 0 homozygote(s)); Previous evidence of pathogenicity for this variant is inconclusive. This variant has been classified as a VUS by a clinical laboratory in ClinVar; No published evidence of segregation with disease has been identified for this variant; No published functional evidence has been identified for this variant; No comparable missense variants have previous evidence for pathogenicity; Variant is located in the annotated LIM domain (DECIPHER); Loss of function is a known mechanism of disease in this gene and is associated with nail-patella syndrome (MIM#161200) and focal segmental glomerulosclerosis 10 (MIM#256020); Variants in this gene are known to have variable expressivity. The severity of the nephropathy is highly variable both within and between families (PMID: 27450397); Inheritance information for this variant is not currently available in this individual.

Labcorp Genetics (formerly Invitae), Labcorp
Classification: Uncertain significance. Last evaluated: 2023-02-17. Review status: criteria provided, single submitter. Criteria: Invitae Variant Classification Sherloc (09022015). Collection method: clinical testing. Allele origin: germline.
Comment: This sequence change replaces aspartic acid, which is acidic and polar, with tyrosine, which is neutral and polar, at codon 65 of the LMX1B protein (p.Asp65Tyr). This variant is not present in population databases (gnomAD no frequency). This variant has not been reported in the literature in individuals affected with LMX1B-related conditions. Advanced modeling of protein sequence and biophysical properties (such as structural, functional, and spatial information, amino acid conservation, physicochemical variation, residue mobility, and thermodynamic stability) performed at Invitae indicates that this missense variant is expected to disrupt LMX1B protein function. In summary, the available evidence is currently insufficient to determine the role of this variant in disease. Therefore, it has been classified as a Variant of Uncertain Significance.

Literature cited by the submitters: PubMed 27450397 (cited by Victorian Clinical Genetics Services, Murdoch Childrens Research Institute).